The following is an entry in ClinVar:

NM_152383.5(DIS3L2):c.1555G>C (p.Glu519Gln)

Gene: DIS3L2 (DIS3 like 3'-5' exoribonuclease 2; plus strand). Cytogenetic location: 2q37.1.
Variant type: single nucleotide variant.
Coding change: c.1555G>C on transcript NM_152383.5 (MANE Select); coding-DNA position 1555, G replaced by C.
Protein change: p.Glu519Gln; replaces glutamic acid 519 with glutamine.
Molecular consequence: missense variant. On other transcripts: non-coding transcript variant (2).
Genome position (GRCh38, 1-based): chr2:232,263,336, G>C. VCF-style: chr2-232263336-G-C. GRCh37 (hg19) VCF-style: chr2-233128046-G-C.
Other names: c.1555G>C, p.Glu519Gln (NM_001257281.2); short protein forms E519Q.
Identifiers: ClinVar variation 1433357 (VCV001433357.6), dbSNP rs753722080, ClinGen allele CA2164187.

ClinVar aggregate classification (germline): Uncertain significance (1 of 4 stars; one submission).

Conditions:
Perlman syndrome (PRLMNS). Identifiers: Orphanet 2849, MedGen C0796113, MONDO:0009965, OMIM 267000.

Allele frequency attached by ClinVar (database versions not stated): TOPMed below 0.00001; gnomAD exomes 0.00001 and 0.00002; ExAC 0.00005.
gnomAD v4.1: 14 of 1,614,212 alleles (0.00087%); highest among the groups gnomAD compares: South Asian, 0.015%; no homozygotes.

Submission:

Labcorp Genetics (formerly Invitae), Labcorp
Classification: Uncertain significance for Perlman syndrome. Last evaluated: 2023-08-24. Review status: criteria provided, single submitter. Criteria: Invitae Variant Classification Sherloc (09022015). Collection method: clinical testing. Allele origin: germline.
Comment: This variant is present in population databases (rs753722080, gnomAD 0.02%). This sequence change replaces glutamic acid, which is acidic and polar, with glutamine, which is neutral and polar, at codon 519 of the DIS3L2 protein (p.Glu519Gln). This variant has not been reported in the literature in individuals affected with DIS3L2-related conditions. ClinVar contains an entry for this variant (Variation ID: 1433357). In summary, the available evidence is currently insufficient to determine the role of this variant in disease. Therefore, it has been classified as a Variant of Uncertain Significance. Advanced modeling of protein sequence and biophysical properties (such as structural, functional, and spatial information, amino acid conservation, physicochemical variation, residue mobility, and thermodynamic stability) performed at Invitae indicates that this missense variant is not expected to disrupt DIS3L2 protein function.